The following is an entry in ClinVar:

ClinVar aggregate classification (germline): Uncertain significance (1 of 4 stars; one submission).

Submission:

Biesecker Lab/Clinical Genomics Section, National Institutes of Health
Classification: Uncertain significance. Last evaluated: 2013-06-24. Review status: criteria provided, single submitter. Criteria: Ng et al. (Circ Cardiovasc Genet. 2013). Collection method: research. Allele origin: unknown. Observed: 1 variant allele. Study: ClinSeq.
Comment: The study set was not selected for affection status in relation to any cancer. Pathogenicity categories were based on literature curation. See Pubmed ID:23861362 for details.

Medical sequencing

NM_001267550.2(TTN):c.80220A>G (p.Thr26740=)

Genes: TTN (titin; minus strand), TTN-AS1 (TTN antisense RNA 1; plus strand). Cytogenetic location: 2q31.2.
Variant type: single nucleotide variant.
Coding change: c.80220A>G on transcript NM_001267550.2 (MANE Select); coding-DNA position 80220, A replaced by G.
Protein change: p.Thr26740=; no amino-acid change (threonine 26740 retained).
Molecular consequence: synonymous variant.
Genome position (GRCh38, 1-based): chr2:178,565,912, T>C on the plus strand (A>G on the coding strand, the complement: TTN is on the minus strand). VCF-style: chr2-178565912-T-C. GRCh37 (hg19) VCF-style: chr2-179430639-T-C.
Other names: c.75297A>G, p.Thr25099= (NM_001256850.1); c.53025A>G, p.Thr17675= (NM_003319.4); c.72516A>G, p.Thr24172= (NM_133378.4); c.53400A>G, p.Thr17800= (NM_133432.3); c.53601A>G, p.Thr17867= (NM_133437.4).
Identifiers: ClinVar variation 191888 (VCV000191888.1), dbSNP rs786205299, ClinGen allele CA237788.
Genomic context (GRCh38, chr2:178,565,912, plus strand): 5'-TTCAGCCATGACTCTGAAGTAATAAATGGCTCCTTCTGTAAGGTTTTCCACTTTAAAACT[T>C]GTTTTGCTGCATTTACTACTCACATTAGCATACGCTTTTCTGGTTGACTCACGTTTGTCA-3'
Protein context (NP_001254479.2, residues 26730-26750): YANVSSKCSK[Thr26740=]SFKVENLTEG